The following is an entry in ClinVar:

ClinVar aggregate classification (germline): Uncertain significance (1 of 4 stars; one submission).

Allele frequency attached by ClinVar (database versions not stated): gnomAD exomes below 0.00001.
gnomAD v4.1: 3 of 1,613,382 alleles (0.00019%); highest among the groups gnomAD compares: Non-Finnish European, 0.00017%; no homozygotes.

Submission:

Labcorp Genetics (formerly Invitae), Labcorp
Classification: Uncertain significance. Last evaluated: 2024-10-08. Review status: criteria provided, single submitter. Criteria: Invitae Variant Classification Sherloc (09022015). Collection method: clinical testing. Allele origin: germline.
Comment: This sequence change replaces methionine, which is neutral and non-polar, with isoleucine, which is neutral and non-polar, at codon 310 of the KCNV2 protein (p.Met310Ile). This variant is not present in population databases (gnomAD no frequency). This variant has not been reported in the literature in individuals affected with KCNV2-related conditions. ClinVar contains an entry for this variant (Variation ID: 852311). Invitae Evidence Modeling of protein sequence and biophysical properties (such as structural, functional, and spatial information, amino acid conservation, physicochemical variation, residue mobility, and thermodynamic stability) indicates that this missense variant is not expected to disrupt KCNV2 protein function with a negative predictive value of 95%. In summary, the available evidence is currently insufficient to determine the role of this variant in disease. Therefore, it has been classified as a Variant of Uncertain Significance.

NM_133497.4(KCNV2):c.930G>A (p.Met310Ile)

Gene: KCNV2 (potassium voltage-gated channel modifier subfamily V member 2; plus strand). Cytogenetic location: 9p24.2.
Variant type: single nucleotide variant.
Coding change: c.930G>A on transcript NM_133497.4 (MANE Select); coding-DNA position 930, G replaced by A.
Protein change: p.Met310Ile; replaces methionine 310 with isoleucine.
Molecular consequence: missense variant.
Genome position (GRCh38, 1-based): chr9:2,718,669, G>A. VCF-style: chr9-2718669-G-A. GRCh37 (hg19) VCF-style: chr9-2718669-G-A.
Other names: short protein forms M310I.
Identifiers: ClinVar variation 852311 (VCV000852311.9), dbSNP rs1004868073, ClinGen allele CA187973423.
Genomic context (GRCh38, chr9:2,718,669, plus strand): 5'-GCAGGGCGAGGGCGGCCCAGACCTGCGGCCCATCCTGGAGCACGTGGAGATGCTGTGCAT[G>A]GGCTTCTTCACGCTCGAGTACCTGCTGCGCCTAGCCTCCACGCCCGACCTGAGGCGCTTC-3'
Protein context (NP_598004.1, residues 300-320): PILEHVEMLC[Met310Ile]GFFTLEYLLR